The following is an entry in ClinVar:

NM_001363118.2(SLC52A2):c.541C>T (p.Pro181Ser)

Gene: SLC52A2 (solute carrier family 52 member 2; plus strand). Cytogenetic location: 8q24.3.
Variant type: single nucleotide variant.
Coding change: c.541C>T on transcript NM_001363118.2 (MANE Select); coding-DNA position 541, C replaced by T.
Protein change: p.Pro181Ser; replaces proline 181 with serine.
Molecular consequence: missense variant. On other transcripts: non-coding transcript variant (1), intron variant (1).
Genome position (GRCh38, 1-based): chr8:144,360,033, C>T. VCF-style: chr8-144360033-C-T. GRCh37 (hg19) VCF-style: chr8-145583693-C-T.
Other names: c.541C>T, p.Pro181Ser (NM_001253815.2, NM_001253816.2, NM_001363120.2 and 2 more transcripts); c.131-82C>T (NM_001363122.2); short protein forms P181S.
Identifiers: ClinVar variation 581579 (VCV000581579.4), dbSNP rs781908522, ClinGen allele CA4938214.
Genomic context (GRCh38, chr8:144,360,033, plus strand): 5'-CTGGCCCTAGTGCAGGGTGTGGGCCGCCTCGAGTGCCCGCCAGCCCCCATCAACGGCACC[C>T]CTGGCCCCCCGCTCGACTTCCTTGAGCGTTTTCCCGCCAGCACCTTCTTCTGGGCACTGA-3'
Protein context (NP_001350047.1, residues 171-191): ECPPAPINGT[Pro181Ser]GPPLDFLERF

ClinVar aggregate classification (germline): Uncertain significance (1 of 4 stars; one submission).

Conditions:
Brown-Vialetto-van Laere syndrome 2. Also called: Riboflavin transporter deficiency type 2; SPINOCEREBELLAR ATAXIA WITH BLINDNESS AND DEAFNESS 2. Identifiers: Orphanet 572543, Orphanet 97229, MedGen C3553538, MONDO:0013867, OMIM 614707.

Allele frequency attached by ClinVar (database versions not stated): ExAC 0.00001; gnomAD 0.00004; TOPMed 0.00002.

Submission:

Labcorp Genetics (formerly Invitae), Labcorp
Classification: Uncertain significance for Brown-Vialetto-van Laere syndrome 2. Last evaluated: 2022-09-13. Review status: criteria provided, single submitter. Criteria: Invitae Variant Classification Sherloc (09022015). Collection method: clinical testing. Allele origin: germline.
Comment: In summary, the available evidence is currently insufficient to determine the role of this variant in disease. Therefore, it has been classified as a Variant of Uncertain Significance. Advanced modeling of protein sequence and biophysical properties (such as structural, functional, and spatial information, amino acid conservation, physicochemical variation, residue mobility, and thermodynamic stability) performed at Invitae indicates that this missense variant is not expected to disrupt SLC52A2 protein function. ClinVar contains an entry for this variant (Variation ID: 581579). This variant has not been reported in the literature in individuals affected with SLC52A2-related conditions. This variant is present in population databases (rs781908522, gnomAD 0.004%). This sequence change replaces proline, which is neutral and non-polar, with serine, which is neutral and polar, at codon 181 of the SLC52A2 protein (p.Pro181Ser).